The following is an entry in ClinVar:

NM_000101.4(CYBA):c.246_273del (p.Phe83fs)

Gene: CYBA (cytochrome b-245 alpha chain; minus strand). Cytogenetic location: 16q24.2.
Variant type: Deletion.
Coding change: c.246_273del on transcript NM_000101.4 (MANE Select); coding-DNA positions 246 to 273, 28 bases deleted (CTTTACCAGGAATTACTATGTTCGGGCC).
Protein change: p.Phe83fs; shifts the reading frame from phenylalanine 83.
Molecular consequence: frameshift variant.
Genome position (GRCh38, 1-based): chr16:88,646,769-88,646,796, GGCCCGAACATAGTAATTCCTGGTAAAG deleted on the plus strand (CTTTACCAGGAATTACTATGTTCGGGCC on the coding strand, the reverse complement: CYBA is on the minus strand); deleting any 28 consecutive bases within chr16:88,646,769-88,646,806 gives the same sequence; the c. name uses the placement nearest the transcript's 3' end. VCF-style (leftmost placement, unchanged base first): chr16-88646768-CGGCCCGAACATAGTAATTCCTGGTAAAG-C. GRCh37 (hg19) VCF-style: chr16-88713176-CGGCCCGAACATAGTAATTCCTGGTAAAG-C.
Other names: c.236_263del28, p.Phe83Serfs (NM_000101.2); short protein forms F83fs.
Identifiers: ClinVar variation 2907500 (VCV002907500.6), dbSNP rs1907299746, ClinGen allele CA2241201636.

ClinVar aggregate classification (germline): Pathogenic/Likely pathogenic. Review status: criteria provided, multiple submitters, no conflicts (2 of 4 stars). 2 submissions from 2 submitters: Pathogenic (1); Likely pathogenic (1). Last evaluated 2023-01-14.

Conditions:
Granulomatous disease, chronic, autosomal recessive, cytochrome b-negative. Also called: CGD DUE TO DEFICIENCY OF THE ALPHA SUBUNIT OF CYTOCHROME b; CGD, AUTOSOMAL RECESSIVE CYTOCHROME b-NEGATIVE; CYBA DEFICIENCY; GRANULOMATOUS DISEASE, CHRONIC, AUTOSOMAL RECESSIVE, 4; Chronic granulomatous disease, autosomal, due to deficiency of CYBA. Identifiers: Orphanet 379, MedGen C1856255, MONDO:0009308, OMIM 233690.

Submissions (2):

Labcorp Genetics (formerly Invitae), Labcorp
Classification: Pathogenic for Granulomatous disease, chronic, autosomal recessive, cytochrome b-negative. Last evaluated: 2023-01-14. Review status: criteria provided, single submitter. Criteria: Invitae Variant Classification Sherloc (09022015). Collection method: clinical testing. Allele origin: germline.
Comment: For these reasons, this variant has been classified as Pathogenic. This variant disrupts a region of the CYBA protein in which other variant(s) (p.Glu129*) have been determined to be pathogenic (Invitae). This suggests that this is a clinically significant region of the protein, and that variants that disrupt it are likely to be disease-causing. This variant is also known as p.F83SfsX98. This premature translational stop signal has been observed in individual(s) with chronic granulomatous disease (PMID: 28251166). This variant is not present in population databases (gnomAD no frequency). This sequence change creates a premature translational stop signal (p.Phe83Serfs*99) in the CYBA gene. While this is not anticipated to result in nonsense mediated decay, it is expected to disrupt the last 113 amino acid(s) of the CYBA protein.

Juno Genomics, Hangzhou Juno Genomics, Inc
Classification: Likely pathogenic for Granulomatous disease, chronic, autosomal recessive, cytochrome b-negative. Review status: criteria provided, single submitter. Criteria: ACMG Guidelines, 2015. Collection method: clinical testing. Allele origin: germline.
Comment: Absent from controls (or at extremely low frequency if recessive) in Genome Aggregation Database.;Null variant in a gene where loss of function (LOF) is a known mechanism of disease.;For recessive disorders, detected in trans with a pathogenic variant.

Literature cited by the submitters: PubMed 28251166 (cited by Labcorp Genetics (formerly Invitae), Labcorp).